The following is an entry in ClinVar:

ClinVar aggregate classification (germline): Uncertain significance (1 of 4 stars; one submission).

Conditions:
Familial thoracic aortic aneurysm and aortic dissection (TAAD). Also called: Thoracic aortic aneurysms and dissections. Identifiers: Orphanet 91387, MedGen C4707243, MONDO:0019625.
Hereditary cancer-predisposing syndrome. Also called: Neoplastic Syndromes, Hereditary; Tumor predisposition; Hereditary neoplastic syndrome; Hereditary Cancer Syndrome. Identifiers: Orphanet 140162, MedGen C0027672, MeSH D009386, MONDO:0015356.

Submission:

Ambry Genetics
Classification: Uncertain significance for Hereditary cancer-predisposing syndrome; Familial thoracic aortic aneurysm and aortic dissection. Last evaluated: 2026-07-02. Review status: criteria provided, single submitter. Criteria: Ambry Variant Classification Scheme 2023. Collection method: clinical testing. Allele origin: germline.
Comment: The p.T73N variant (also known as c.218C>A), located in coding exon 1 of the SMAD4 gene, results from a C to A substitution at nucleotide position 218. The threonine at codon 73 is replaced by asparagine, an amino acid with similar properties. This amino acid position is conserved. In addition, the in silico prediction for this alteration is inconclusive. Based on the available evidence, the clinical significance of this variant remains unclear.

NM_005359.6(SMAD4):c.218C>A (p.Thr73Asn)

Gene: SMAD4 (SMAD family member 4; plus strand). Cytogenetic location: 18q21.2.
Variant type: single nucleotide variant.
Coding change: c.218C>A on transcript NM_005359.6 (MANE Select); coding-DNA position 218, C replaced by A.
Protein change: p.Thr73Asn; replaces threonine 73 with asparagine.
Molecular consequence: missense variant. On other transcripts: non-coding transcript variant (2).
Genome position (GRCh38, 1-based): chr18:51,047,264, C>A. VCF-style: chr18-51047264-C-A. GRCh37 (hg19) VCF-style: chr18-48573634-C-A.
Other names: c.218C>A, p.Thr73Asn (NM_001407041.1, NM_001407042.1, NM_001407043.1); short protein forms T73N.
Identifiers: ClinVar variation 5029728 (VCV005029728.1).